The following is an entry in ClinVar:

ClinVar aggregate classification (germline): Pathogenic (1 of 4 stars; one submission).

Conditions:
Mucopolysaccharidosis, MPS-III-D (MPS3D). Also called: N-ACETYLGLUCOSAMINE-6-SULFATASE DEFICIENCY; SANFILIPPO SYNDROME D; MPS III D; Mucopoly-saccharidosis type 3D; N-acetylglucosamine-6-sulfate sulfatase deficiency; MPS 3D. Identifiers: Orphanet 581, Orphanet 79272, MedGen C0086650, MONDO:0009658, OMIM 252940.

Allele frequency attached by ClinVar (database versions not stated): gnomAD exomes below 0.00001.
gnomAD v4.1: 1 of 1,613,438 alleles (0.000062%); highest among the groups gnomAD compares: Non-Finnish European, 0.000085%; no homozygotes.

Submission:

Labcorp Genetics (formerly Invitae), Labcorp
Classification: Pathogenic for Mucopolysaccharidosis, MPS-III-D. Last evaluated: 2023-11-24. Review status: criteria provided, single submitter. Criteria: Invitae Variant Classification Sherloc (09022015). Collection method: clinical testing. Allele origin: germline.
Comment: This sequence change creates a premature translational stop signal (p.Glu223*) in the GNS gene. It is expected to result in an absent or disrupted protein product. Loss-of-function variants in GNS are known to be pathogenic (PMID: 20232353). This variant is not present in population databases (gnomAD no frequency). This variant has not been reported in the literature in individuals affected with GNS-related conditions. For these reasons, this variant has been classified as Pathogenic.

Literature cited by the submitters: PubMed 20232353.

NM_002076.4(GNS):c.667G>T (p.Glu223Ter)

Gene: GNS (glucosamine (N-acetyl)-6-sulfatase; minus strand). Cytogenetic location: 12q14.3.
Variant type: single nucleotide variant.
Coding change: c.667G>T on transcript NM_002076.4 (MANE Select); coding-DNA position 667, G replaced by T.
Protein change: p.Glu223Ter; replaces glutamic acid 223 with a stop codon.
Molecular consequence: nonsense.
Genome position (GRCh38, 1-based): chr12:64,743,266, C>A on the plus strand (G>T on the coding strand, the complement: GNS is on the minus strand). VCF-style: chr12-64743266-C-A. GRCh37 (hg19) VCF-style: chr12-65137046-C-A.
Other names: short protein forms E223*.
Identifiers: ClinVar variation 2696295 (VCV002696295.3), dbSNP rs3203621, ClinGen allele CA238290063.